The following is an entry in ClinVar:

ClinVar aggregate classification (germline): Likely pathogenic (1 of 4 stars; one submission).

Conditions:
Ellis-van Creveld syndrome (EVC). Also called: EVC-Related Ellis-van Creveld Syndrome; EVC2-Related Ellis-van Creveld Syndrome; MESOECTODERMAL DYSPLASIA; Chondroectodermal dysplasia. Identifiers: Orphanet 289, MedGen C0013903, MONDO:0009162, OMIM 225500.

Submission:

Myriad Genetics, Inc.
Classification: Likely pathogenic for Ellis-van Creveld syndrome. Last evaluated: 2022-02-11. Review status: criteria provided, single submitter. Criteria: Myriad Women's Health Autosomal Recessive and X-Linked Classification Criteria (2021). Collection method: clinical testing. Allele origin: unknown.
Comment: NM_153717.2(EVC):c.1765delC(Q589Kfs*71) is expected to be pathogenic in the context of EVC-related Ellis-van Creveld syndrome. This variant is predicted to lead to an abnormal or absent protein product due to the creation of a premature termination codon in EVC, a gene where loss-of-function variants are known to be pathogenic. Please note: this variant was assessed in the context of healthy population screening.

NM_153717.3(EVC):c.1765del (p.Gln589fs)

Gene: EVC (EvC ciliary complex subunit 1; plus strand). Cytogenetic location: 4p16.2.
Variant type: Deletion.
Coding change: c.1765del on transcript NM_153717.3 (MANE Select); coding-DNA position 1765, one base deleted (C; older notation c.1765delC).
Protein change: p.Gln589fs; shifts the reading frame from glutamine 589.
Molecular consequence: frameshift variant.
Genome position (GRCh38, 1-based): chr4:5,783,753, C deleted. VCF-style (leftmost placement, unchanged base first): chr4-5783752-GC-G. GRCh37 (hg19) VCF-style: chr4-5785479-GC-G.
Other names: c.1765del, p.Gln589fs (NM_001306090.2); short protein forms Q589fs.
Identifiers: ClinVar variation 1724365 (VCV001724365.2), dbSNP rs2476474498, ClinGen allele CA2580070818.
Genomic context (GRCh38, chr4:5,783,752, plus strand): 5'-GCTGGGGAAGTCAAATCGCTTCCGGAGGCAGCAGTGGAAACTCTTCCAGGAGCTCCTAGA[GC>G]AAGACCAGCAGGTGCGGGCATTTGGGAACCCAGGGGCTGGGGTCTGCATTTTAGAAACAC-3'